The following is an entry in ClinVar:

NM_181426.2(CCDC39):c.286C>T (p.Arg96Ter)

Gene: CCDC39 (coiled-coil domain 39 molecular ruler complex subunit; minus strand). Cytogenetic location: 3q26.33.
Variant type: single nucleotide variant.
Coding change: c.286C>T on transcript NM_181426.2 (MANE Select); coding-DNA position 286, C replaced by T.
Protein change: p.Arg96Ter; replaces arginine 96 with a stop codon.
Molecular consequence: nonsense.
Genome position (GRCh38, 1-based): chr3:180,661,932, G>A on the plus strand (C>T on the coding strand, the complement: CCDC39 is on the minus strand). VCF-style: chr3-180661932-G-A. GRCh37 (hg19) VCF-style: chr3-180379720-G-A.
Other names: short protein forms R96*.
Identifiers: ClinVar variation 565699 (VCV000565699.7), dbSNP rs778577109, ClinGen allele CA2716207.

ClinVar aggregate classification (germline): Pathogenic (1 of 4 stars; one submission).

Conditions:
Primary ciliary dyskinesia. Also called: Ciliary dyskinesia. Identifiers: Orphanet 244, MedGen C0008780, MONDO:0016575, HP:0012265.

Allele frequency attached by ClinVar (database versions not stated): TOPMed below 0.00001; gnomAD 0.00001; gnomAD exomes 0.00001; ExAC 0.00003.

Submission:

Labcorp Genetics (formerly Invitae), Labcorp
Classification: Pathogenic for Primary ciliary dyskinesia. Last evaluated: 2024-04-17. Review status: criteria provided, single submitter. Criteria: Invitae Variant Classification Sherloc (09022015). Collection method: clinical testing. Allele origin: germline.
Comment: This sequence change creates a premature translational stop signal (p.Arg96*) in the CCDC39 gene. It is expected to result in an absent or disrupted protein product. Loss-of-function variants in CCDC39 are known to be pathogenic (PMID: 21131972, 23255504). The frequency data for this variant in the population databases is considered unreliable, as metrics indicate poor data quality at this position in the gnomAD database. This variant has not been reported in the literature in individuals affected with CCDC39-related conditions. ClinVar contains an entry for this variant (Variation ID: 565699). Algorithms developed to predict the effect of sequence changes on RNA splicing suggest that this variant may disrupt the consensus splice site. For these reasons, this variant has been classified as Pathogenic.

Literature cited by the submitters: PubMed 21131972; PubMed 23255504.